The following is an entry in ClinVar:

ClinVar aggregate classification (germline): Uncertain significance (1 of 4 stars; one submission).

Conditions:
RASopathy. Also called: rasopathies; Noonan spectrum disorder. Identifiers: Orphanet 536391, MedGen C5555857, MONDO:0021060.

Submission:

Labcorp Genetics (formerly Invitae), Labcorp
Classification: Uncertain significance for RASopathy. Last evaluated: 2019-07-08. Review status: criteria provided, single submitter. Criteria: Invitae Variant Classification Sherloc (09022015). Collection method: clinical testing. Allele origin: germline.
Comment: In summary, the available evidence is currently insufficient to determine the role of this variant in disease. Therefore, it has been classified as a Variant of Uncertain Significance. Algorithms developed to predict the effect of missense changes on protein structure and function are either unavailable or do not agree on the potential impact of this missense change (SIFT: "Tolerated"; PolyPhen-2: "Possibly Damaging"; Align-GVGD: "Class C0"). This variant has not been reported in the literature in individuals with BRAF-related conditions. This variant is not present in population databases (ExAC no frequency). This sequence change replaces glutamine with histidine at codon 653 of the BRAF protein (p.Gln653His). The glutamine residue is moderately conserved and there is a small physicochemical difference between glutamine and histidine.

NM_004333.6(BRAF):c.1959G>T (p.Gln653His)

Gene: BRAF (B-Raf proto-oncogene, serine/threonine kinase; minus strand). Cytogenetic location: 7q34.
Variant type: single nucleotide variant.
Coding change: c.1959G>T on transcript NM_004333.6 (MANE Select); coding-DNA position 1959, G replaced by T.
Protein change: p.Gln653His; replaces glutamine 653 with histidine.
Molecular consequence: missense variant.
Genome position (GRCh38, 1-based): chr7:140,749,320, C>A on the plus strand (G>T on the coding strand, the complement: BRAF is on the minus strand). VCF-style: chr7-140749320-C-A. GRCh37 (hg19) VCF-style: chr7-140449120-C-A.
Other names: c.1959G>T, p.Gln653His (NM_001378474.1, NM_001354609.2, NM_001378468.1); c.1695G>T, p.Gln565His (NM_001378475.1); c.2079G>T, p.Gln693His (NM_001374244.1, NM_001374258.1); c.1968G>T, p.Gln656His (NM_001378467.1); c.1893G>T, p.Gln631His (NM_001378469.1); c.1857G>T, p.Gln619His (NM_001378470.1); c.1848G>T, p.Gln616His (NM_001378471.1); c.1803G>T, p.Gln601His (NM_001378472.1, NM_001378473.1); short protein forms Q653H, Q619H, Q601H, Q616H, Q631H, Q656H, Q693H, Q565H.
Identifiers: ClinVar variation 945501 (VCV000945501.9), dbSNP rs1797598919, ClinGen allele CA369540587.